The following is an entry in ClinVar:

ClinVar aggregate classification (germline): Uncertain significance (1 of 4 stars; one submission).

Conditions:
Hereditary cancer-predisposing syndrome. Also called: Neoplastic Syndromes, Hereditary; Tumor predisposition; Hereditary Cancer Syndrome; Hereditary neoplastic syndrome. Identifiers: Orphanet 140162, MedGen C0027672, MeSH D009386, MONDO:0015356.

Submission:

Ambry Genetics
Classification: Uncertain significance for Hereditary cancer-predisposing syndrome. Last evaluated: 2026-07-29. Review status: criteria provided, single submitter. Criteria: Ambry Variant Classification Scheme 2023. Collection method: clinical testing. Allele origin: germline.
Comment: The p.F89L variant (also known as c.267C>A), located in coding exon 3 of the SDHB gene, results from a C to A substitution at nucleotide position 267. The phenylalanine at codon 89 is replaced by leucine, an amino acid with highly similar properties. This amino acid position is highly conserved in available vertebrate species. In addition, this alteration is predicted to be deleterious by in silico analysis. Based on the available evidence, the clinical significance of this variant remains unclear.

NM_003000.3(SDHB):c.267C>A (p.Phe89Leu)

Gene: SDHB (succinate dehydrogenase complex iron sulfur subunit B; minus strand). Cytogenetic location: 1p36.13.
Variant type: single nucleotide variant.
Coding change: c.267C>A on transcript NM_003000.3 (MANE Select); coding-DNA position 267, C replaced by A.
Protein change: p.Phe89Leu; replaces phenylalanine 89 with leucine.
Molecular consequence: missense variant.
Genome position (GRCh38, 1-based): chr1:17,033,079, G>T on the plus strand (C>A on the coding strand, the complement: SDHB is on the minus strand). VCF-style: chr1-17033079-G-T. GRCh37 (hg19) VCF-style: chr1-17359574-G-T.
Other names: c.267C>A, p.Phe89Leu (NM_001407361.1); short protein forms F89L.
Identifiers: ClinVar variation 4864258 (VCV004864258.2).